The following is an entry in ClinVar:

NM_001130987.2(DYSF):c.481dup (p.Glu161fs)

Gene: DYSF (dysferlin; plus strand). Cytogenetic location: 2p13.2.
Variant type: Duplication.
Coding change: c.481dup on transcript NM_001130987.2 (MANE Select); coding-DNA position 481, one base duplicated (G; older notation c.481dupG).
Protein change: p.Glu161fs; shifts the reading frame from glutamic acid 161.
Molecular consequence: frameshift variant. On other transcripts: intron variant (8).
Genome position (GRCh38, 1-based): chr2:71,513,260, G duplicated. VCF-style (leftmost placement, unchanged base first): chr2-71513259-C-CG. GRCh37 (hg19) VCF-style: chr2-71740389-C-CG.
Other names: c.478dup, p.Glu160fs (NM_001130979.2, NM_001130980.2, NM_001130981.2); c.481dup, p.Glu161fs (NM_001130982.2, NM_001130985.2); c.458-456dup (NM_001130978.2, NM_003494.4, NM_001130977.2 and 1 more transcripts); c.461-456dup (NM_001130983.2, NM_001130455.2, NM_001130984.2 and 1 more transcripts); c.481dupG (NM_001130987.2); short protein forms E160fs, E161fs.
Identifiers: ClinVar variation 4845864 (VCV004845864.1).
Genomic context (GRCh38, chr2:71,513,259, plus strand): 5'-CCTCCCTCCCCTCCCGGGGTTATGCCCTGCCCACAAGACAGGCGGGGGACAGAGCCGGGC[C>CG]GAGACTTGGTCCCTGCTCAGTGACAGCACCATGGACACGAGATACTCTGGAAAGAAGTGG-3'

ClinVar aggregate classification (germline): Likely pathogenic (1 of 4 stars; one submission).

Conditions:
Miyoshi muscular dystrophy 1 (MMD1). Identifiers: Orphanet 45448, MedGen C4551973, MONDO:0024545, OMIM 254130.
Autosomal recessive limb-girdle muscular dystrophy type 2B (LGMDR2). Also called: MUSCULAR DYSTROPHY, LIMB-GIRDLE, AUTOSOMAL RECESSIVE 2; Limb-Girdle Muscular Dystrophy Type 2B (LGMD2B); MUSCULAR DYSTROPHY, LIMB-GIRDLE, TYPE 3; Limb-girdle muscular dystrophy, type 2B. Identifiers: Orphanet 268, MedGen C1850889, MONDO:0009676, OMIM 253601.
Distal myopathy with anterior tibial onset. Identifiers: Orphanet 178400, MedGen C1847532, MONDO:0011721, OMIM 606768.

Submission:

First Genomix Gene Laboratory, Genetic Diagnostics Department
Classification: Likely pathogenic for Miyoshi muscular dystrophy 1; Autosomal recessive limb-girdle muscular dystrophy type 2B; Distal myopathy with anterior tibial onset. Last evaluated: 2025-03-17. Review status: criteria provided, single submitter. Criteria: ACMG Guidelines, 2015. Collection method: clinical testing. Allele origin: germline. Inheritance: Autosomal recessive inheritance. Affected: no. Observed: 1 variant allele.